The following is an entry in ClinVar:

ClinVar aggregate classification (germline): Uncertain significance (1 of 4 stars; one submission).

gnomAD v4.1: 22 of 1,613,752 alleles (0.0014%); highest among the groups gnomAD compares: East Asian, 0.031%; no homozygotes.

Submission:

Labcorp Genetics (formerly Invitae), Labcorp
Classification: Uncertain significance. Last evaluated: 2025-01-10. Review status: criteria provided, single submitter. Criteria: Invitae Variant Classification Sherloc (09022015). Collection method: clinical testing. Allele origin: germline.
Comment: This sequence change replaces aspartic acid, which is acidic and polar, with glycine, which is neutral and non-polar, at codon 3 of the ARMC9 protein (p.Asp3Gly). This variant is present in population databases (rs562937451, gnomAD 0.03%). This variant has not been reported in the literature in individuals affected with ARMC9-related conditions. Experimental studies and prediction algorithms are not available or were not evaluated, and the functional significance of this variant is currently unknown. Algorithms developed to predict the effect of sequence changes on RNA splicing suggest that this variant may disrupt the consensus splice site. In summary, the available evidence is currently insufficient to determine the role of this variant in disease. Therefore, it has been classified as a Variant of Uncertain Significance.

NM_001352754.2(ARMC9):c.8A>G (p.Asp3Gly)

Gene: ARMC9 (armadillo repeat containing 9; plus strand). Cytogenetic location: 2q37.1.
Variant type: single nucleotide variant.
Coding change: c.8A>G on transcript NM_001352754.2 (MANE Select); coding-DNA position 8, A replaced by G.
Protein change: p.Asp3Gly; replaces aspartic acid 3 with glycine.
Molecular consequence: missense variant. On other transcripts: non-coding transcript variant (1).
Genome position (GRCh38, 1-based): chr2:231,206,246, A>G. VCF-style: chr2-231206246-A-G. GRCh37 (hg19) VCF-style: chr2-232070959-A-G.
Other names: c.8A>G, p.Asp3Gly (NM_001271466.4, NM_001291656.2, NM_001352755.2 and 5 more transcripts); short protein forms D3G.
Identifiers: ClinVar variation 3672397 (VCV003672397.1).